The following is an entry in ClinVar:

NM_004172.5(SLC1A3):c.954C>T (p.Thr318=)

Genes: SLC1A3 (solute carrier family 1 member 3; plus strand), SLC1A3-AS1 (SLC1A3 antisense RNA 1; minus strand). Cytogenetic location: 5p13.2.
Variant type: single nucleotide variant.
Coding change: c.954C>T on transcript NM_004172.5 (MANE Select); coding-DNA position 954, C replaced by T.
Protein change: p.Thr318=; no amino-acid change (threonine 318 retained).
Molecular consequence: synonymous variant.
Genome position (GRCh38, 1-based): chr5:36,679,720, C>T. VCF-style: chr5-36679720-C-T. GRCh37 (hg19) VCF-style: chr5-36679822-C-T.
Other names: c.954C>T, p.Thr318= (NM_001166695.3); c.816C>T, p.Thr272= (NM_001289939.2); c.618C>T, p.Thr206= (NM_001289940.2).
Identifiers: ClinVar variation 907390 (VCV000907390.10), dbSNP rs528899789, ClinGen allele CA3235582.

ClinVar aggregate classification (germline): Benign/Likely benign. Review status: criteria provided, multiple submitters, no conflicts (2 of 4 stars). 3 submissions from 3 submitters: Benign (2); Likely benign (1). Last evaluated 2026-02-01.

Conditions:
Episodic ataxia type 6. Identifiers: Orphanet 209967, MedGen C2675211, MONDO:0012982, OMIM 612656.

Allele frequency attached by ClinVar (database versions not stated): TOPMed 0.00007; ExAC 0.00012; 1000 Genomes Project 30x 0.00031; 1000 Genomes Project 0.00040.
gnomAD v4.1: 90 of 1,614,012 alleles (0.0056%); highest among the groups gnomAD compares: South Asian, 0.072%; 1 homozygote.

Submissions (3):

CeGaT Center for Human Genetics Tuebingen
Classification: Likely benign. Last evaluated: 2026-02-01. Review status: criteria provided, single submitter. Criteria: CeGaT Center For Human Genetics Tuebingen Variant Classification Criteria Version 2. Collection method: clinical testing. Allele origin: germline. Affected: yes. Observed: 1 variant allele.
Comment: SLC1A3: BP4, BP7

Athena Diagnostics
Classification: Benign. Last evaluated: 2024-12-04. Review status: criteria provided, single submitter. Criteria: Athena Diagnostics Criteria. Collection method: clinical testing. Allele origin: unknown.
Comment: The frequency of this variant in the general population is higher than would generally be expected for pathogenic variants in this gene. Computational tools yielded predictions that this variant is unlikely to have an effect on normal RNA splicing. This nucleotide position exhibits low evolutionary conservation.

Illumina Laboratory Services, Illumina
Classification: Benign for Episodic ataxia type 6. Last evaluated: 2018-01-13. Review status: criteria provided, single submitter. Criteria: ICSL Variant Classification Criteria 13 December 2019. Collection method: clinical testing. Allele origin: germline.
Comment: This variant was observed in the ICSL laboratory as part of a predisposition screen in an ostensibly healthy population. It had not been previously curated by ICSL or reported in the Human Gene Mutation Database (HGMD: prior to June 1st, 2018), and was therefore a candidate for classification through an automated scoring system. Utilizing variant allele frequency, disease prevalence and penetrance estimates, and inheritance mode, an automated score was calculated to assess if this variant is too frequent to cause the disease. Based on the score and internal cut-off values, a variant classified as benign is not then subjected to further curation. The score for this variant resulted in a classification of benign for this disease.